The following is an entry in ClinVar:

ClinVar aggregate classification (germline): Uncertain significance. Review status: criteria provided, multiple submitters, no conflicts (2 of 4 stars). 3 submissions from 3 submitters: Uncertain significance (3). Last evaluated 2026-07-29.

Conditions:
TTN-related disorder. Also called: TTN-related disorders; TTN-related condition; TTN-related disease.

Allele frequency attached by ClinVar (database versions not stated): gnomAD exomes below 0.00001 and 0.00001; gnomAD 0.00003 and 0.00004.
gnomAD v4.1: 15 of 1,610,712 alleles (0.00093%); highest among the groups gnomAD compares: African/African-American, 0.02%; no homozygotes.

Submissions (3):

PreventionGenetics, part of Exact Sciences
Classification: Uncertain significance for TTN-related condition. Last evaluated: 2026-07-29. Review status: criteria provided, single submitter. Criteria: ACMG Guidelines, 2015. Collection method: clinical testing. Allele origin: germline.
Comment: The TTN c.39539C>G variant is predicted to result in the amino acid substitution p.Pro13180Arg. To our knowledge, this variant has not been reported in the literature. This variant is reported in 0.0083% of alleles in individuals of African descent in gnomAD. At this time, the clinical significance of this variant is uncertain due to the absence of conclusive functional and genetic evidence.

GeneDx
Classification: Uncertain significance. Last evaluated: 2019-07-30. Review status: criteria provided, single submitter. Criteria: GeneDx Variant Classification (06012015). Collection method: clinical testing. Allele origin: germline. Affected: yes.

Breakthrough Genomics
Classification: Uncertain significance. Review status: criteria provided, single submitter. Criteria: ACMG Guidelines, 2015. Collection method: not provided. Allele origin: germline. Inheritance: Autosomal recessive inheritance. Affected: yes.

NM_001267550.2(TTN):c.39539C>G (p.Pro13180Arg)

Gene: TTN (titin; minus strand). Cytogenetic location: 2q31.2.
Variant type: single nucleotide variant.
Coding change: c.39539C>G on transcript NM_001267550.2 (MANE Select); coding-DNA position 39539, C replaced by G.
Protein change: p.Pro13180Arg; replaces proline 13180 with arginine.
Molecular consequence: missense variant. On other transcripts: intron variant (3).
Genome position (GRCh38, 1-based): chr2:178,651,461, G>C on the plus strand (C>G on the coding strand, the complement: TTN is on the minus strand). VCF-style: chr2-178651461-G-C. GRCh37 (hg19) VCF-style: chr2-179516188-G-C.
Other names: c.35018C>G, p.Pro11673Arg (NM_001256850.1); c.32237C>G, p.Pro10746Arg (NM_133378.4); c.13283-9144C>G (NM_003319.4); c.13859-9144C>G (NM_133437.4); c.13658-9144C>G (NM_133432.3); short protein forms P10746R, P11673R, P13180R.
Identifiers: ClinVar variation 1172792 (VCV001172792.4), dbSNP rs1039428520, ClinGen allele CA60968179.